The following is an entry in ClinVar:

NM_000051.4(ATM):c.6619A>T (p.Lys2207Ter)

Genes: ATM (ATM serine/threonine kinase; plus strand), C11orf65 (chromosome 11 open reading frame 65; minus strand). Cytogenetic location: 11q22.3.
Variant type: single nucleotide variant.
Coding change: c.6619A>T on transcript NM_000051.4 (MANE Select); coding-DNA position 6619, A replaced by T.
Protein change: p.Lys2207Ter; replaces lysine 2207 with a stop codon.
Molecular consequence: nonsense. On other transcripts: intron variant (2).
Genome position (GRCh38, 1-based): chr11:108,325,356, A>T. VCF-style: chr11-108325356-A-T. GRCh37 (hg19) VCF-style: chr11-108196083-A-T.
Other names: c.6619A>T, p.Lys2207Ter (NM_001351834.2); c.641-16285T>A (NM_001330368.2); c.*38+9864T>A (NM_001351110.2); short protein forms K2207*.
Identifiers: ClinVar variation 3450783 (VCV003450783.1).

ClinVar aggregate classification (germline): Pathogenic (1 of 4 stars; one submission).

Conditions:
Hereditary cancer-predisposing syndrome. Also called: Tumor predisposition; Hereditary Cancer Syndrome; Neoplastic Syndromes, Hereditary; Hereditary neoplastic syndrome. Identifiers: Orphanet 140162, MedGen C0027672, MeSH D009386, MONDO:0015356.

Submission:

Ambry Genetics
Classification: Pathogenic for Hereditary cancer-predisposing syndrome. Last evaluated: 2024-09-05. Review status: criteria provided, single submitter. Criteria: Ambry Variant Classification Scheme 2023. Collection method: clinical testing. Allele origin: germline.
Comment: The p.K2207* pathogenic mutation (also known as c.6619A>T), located in coding exon 45 of the ATM gene, results from an A to T substitution at nucleotide position 6619. This changes the amino acid from a lysine to a stop codon within coding exon 45. This variant is considered to be rare based on population cohorts in the Genome Aggregation Database (gnomAD). This alteration is expected to result in loss of function by premature protein truncation or nonsense-mediated mRNA decay. As such, this alteration is interpreted as a disease-causing mutation.